The following is an entry in ClinVar:

NM_001130009.3(GEN1):c.134T>C (p.Met45Thr)

Gene: GEN1 (GEN1 structure-specific endonuclease; plus strand). Cytogenetic location: 2p24.2.
Variant type: single nucleotide variant.
Coding change: c.134T>C on transcript NM_001130009.3 (MANE Select); coding-DNA position 134, T replaced by C.
Protein change: p.Met45Thr; replaces methionine 45 with threonine.
Molecular consequence: missense variant.
Genome position (GRCh38, 1-based): chr2:17,760,077, T>C. VCF-style: chr2-17760077-T-C. GRCh37 (hg19) VCF-style: chr2-17941344-T-C.
Other names: c.134T>C, p.Met45Thr (NM_182625.5); short protein forms M45T.
Identifiers: ClinVar variation 4262999 (VCV004262999.2).

ClinVar aggregate classification (germline): Uncertain significance. Review status: criteria provided, multiple submitters, no conflicts (2 of 4 stars). 2 submissions from 2 submitters: Uncertain significance (2). Last evaluated 2025-06-28.

gnomAD v4.1: 3 of 1,614,004 alleles (0.00019%); highest among the groups gnomAD compares: African/African-American, 0.0027%; no homozygotes.

Submissions (2):

Ambry Genetics
Classification: Uncertain significance. Last evaluated: 2025-06-28. Review status: criteria provided, single submitter. Criteria: Ambry Variant Classification Scheme 2023. Collection method: clinical testing. Allele origin: germline.
Comment: The p.M45T variant (also known as c.134T>C), located in coding exon 1 of the GEN1 gene, results from a T to C substitution at nucleotide position 134. The methionine at codon 45 is replaced by threonine, an amino acid with similar properties. This amino acid position is conserved. In addition, this alteration is predicted to be tolerated by in silico analysis. Based on the available evidence, the clinical significance of this variant remains unclear.

Labcorp Genetics (formerly Invitae), Labcorp
Classification: Uncertain significance. Last evaluated: 2025-05-29. Review status: criteria provided, single submitter. Criteria: Invitae Variant Classification Sherloc (09022015). Collection method: clinical testing. Allele origin: germline.
Comment: This sequence change replaces methionine, which is neutral and non-polar, with threonine, which is neutral and polar, at codon 45 of the GEN1 protein (p.Met45Thr). This variant is not present in population databases (gnomAD no frequency). This variant has not been reported in the literature in individuals affected with GEN1-related conditions. An algorithm developed to predict the effect of missense changes on protein structure and function (PolyPhen-2) suggests that this variant is likely to be tolerated. In summary, the available evidence is currently insufficient to determine the role of this variant in disease. Therefore, it has been classified as a Variant of Uncertain Significance.